The following is an entry in ClinVar:

ClinVar aggregate classification (germline): Uncertain significance (1 of 4 stars; one submission).

Submission:

Labcorp Genetics (formerly Invitae), Labcorp
Classification: Uncertain significance. Last evaluated: 2022-08-23. Review status: criteria provided, single submitter. Criteria: Invitae Variant Classification Sherloc (09022015). Collection method: clinical testing. Allele origin: germline.
Comment: This sequence change replaces histidine, which is basic and polar, with asparagine, which is neutral and polar, at codon 808 of the RBP3 protein (p.His808Asn). This variant is not present in population databases (gnomAD no frequency). This variant has not been reported in the literature in individuals affected with RBP3-related conditions. Algorithms developed to predict the effect of missense changes on protein structure and function are either unavailable or do not agree on the potential impact of this missense change (SIFT: "Deleterious"; PolyPhen-2: "Benign"; Align-GVGD: "Class C0"). In summary, the available evidence is currently insufficient to determine the role of this variant in disease. Therefore, it has been classified as a Variant of Uncertain Significance.

NM_002900.3(RBP3):c.2422C>A (p.His808Asn)

Gene: RBP3 (retinol binding protein 3; plus strand). Cytogenetic location: 10q11.22.
Variant type: single nucleotide variant.
Coding change: c.2422C>A on transcript NM_002900.3 (MANE Select); coding-DNA position 2422, C replaced by A.
Protein change: p.His808Asn; replaces histidine 808 with asparagine.
Molecular consequence: missense variant.
Genome position (GRCh38, 1-based): chr10:47,350,906, C>A. VCF-style: chr10-47350906-C-A. GRCh37 (hg19) VCF-style: chr10-48388456-G-T.
Other names: short protein forms H808N.
Identifiers: ClinVar variation 2087656 (VCV002087656.4), dbSNP rs2549029293, ClinGen allele CA376673134.